The following is an entry in ClinVar:

NM_005633.4(SOS1):c.338T>C (p.Leu113Ser)

Gene: SOS1 (SOS Ras/Rac guanine nucleotide exchange factor 1; minus strand). Cytogenetic location: 2p22.1.
Variant type: single nucleotide variant.
Coding change: c.338T>C on transcript NM_005633.4 (MANE Select); coding-DNA position 338, T replaced by C.
Protein change: p.Leu113Ser; replaces leucine 113 with serine.
Molecular consequence: missense variant.
Genome position (GRCh38, 1-based): chr2:39,058,680, A>G on the plus strand (T>C on the coding strand, the complement: SOS1 is on the minus strand). VCF-style: chr2-39058680-A-G. GRCh37 (hg19) VCF-style: chr2-39285821-A-G.
Other names: c.317T>C, p.Leu106Ser (NM_001382394.1); c.338T>C, p.Leu113Ser (NM_001382395.1); short protein forms L106S, L113S.
Identifiers: ClinVar variation 2099653 (VCV002099653.4), dbSNP rs2465361064, ClinGen allele CA346373791.
Genomic context (GRCh38, chr2:39,058,680, plus strand): 5'-TGGTGGGTTTTATTTTTCCCTTAAAAGGCAAGAAGGCAGTAGTTCAGCATTACCTTTAAT[A>G]AAGGATGAATTTTTTCTACTGGGAGAGATAAAGGGTTTCTTCGCTTCCTCTTTTCAATAG-3'
Protein context (NP_005624.2, residues 103-123): LSLPVEKIHP[Leu113Ser]LKEVLGYKID

ClinVar aggregate classification (germline): Uncertain significance (1 of 4 stars; one submission).

Conditions:
RASopathy. Also called: rasopathies; Noonan spectrum disorder. Identifiers: Orphanet 536391, MedGen C5555857, MONDO:0021060.

Submission:

Labcorp Genetics (formerly Invitae), Labcorp
Classification: Uncertain significance for RASopathy. Last evaluated: 2022-02-19. Review status: criteria provided, single submitter. Criteria: Invitae Variant Classification Sherloc (09022015). Collection method: clinical testing. Allele origin: germline.
Comment: Advanced modeling of protein sequence and biophysical properties (such as structural, functional, and spatial information, amino acid conservation, physicochemical variation, residue mobility, and thermodynamic stability) performed at Invitae indicates that this missense variant is expected to disrupt SOS1 protein function. In summary, the available evidence is currently insufficient to determine the role of this variant in disease. Therefore, it has been classified as a Variant of Uncertain Significance. This variant is not present in population databases (gnomAD no frequency). This variant has not been reported in the literature in individuals affected with SOS1-related conditions. This sequence change replaces leucine, which is neutral and non-polar, with serine, which is neutral and polar, at codon 113 of the SOS1 protein (p.Leu113Ser).